The following is an entry in ClinVar:

NM_198129.4(LAMA3):c.2996G>A (p.Arg999Gln)

Gene: LAMA3 (laminin subunit alpha 3; plus strand). Cytogenetic location: 18q11.2.
Variant type: single nucleotide variant.
Coding change: c.2996G>A on transcript NM_198129.4 (MANE Select); coding-DNA position 2996, G replaced by A.
Protein change: p.Arg999Gln; replaces arginine 999 with glutamine.
Molecular consequence: missense variant.
Genome position (GRCh38, 1-based): chr18:23,836,992, G>A. VCF-style: chr18-23836992-G-A. GRCh37 (hg19) VCF-style: chr18-21416956-G-A.
Other names: c.2996G>A, p.Arg999Gln (NM_001127717.4); c.2996G>A (NM_198129.2); short protein forms R999Q.
Identifiers: ClinVar variation 1601461 (VCV001601461.12), dbSNP rs199976293, ClinGen allele CA8915126.

ClinVar aggregate classification (germline): Benign/Likely benign. Review status: criteria provided, multiple submitters, no conflicts (2 of 4 stars). 3 submissions from 3 submitters: Benign (1); Likely benign (1). 1 of the submissions does not count toward it. Last evaluated 2024-10-14.

Conditions:
LAMA3-related disorder. Also called: LAMA3-related condition; LAMA3-related disorders.

Allele frequency attached by ClinVar (database versions not stated): ESP Exome Variant Server 0.00031; gnomAD 0.00033 and 0.00034; gnomAD exomes 0.00034 and 0.00069; ExAC 0.00052.
gnomAD v4.1: 595 of 1,613,214 alleles (0.037%); highest among the groups gnomAD compares: Non-Finnish European, 0.0087%; 1 homozygote.

Submissions (5):

Blueprint Genetics
Classification: Likely benign. Last evaluated: 2024-10-14. Review status: criteria provided, single submitter. Criteria: ACMG Guidelines, 2015. Collection method: clinical testing. Allele origin: germline.

Labcorp Genetics (formerly Invitae), Labcorp
Classification: Benign. Last evaluated: 2022-10-13. Review status: criteria provided, single submitter. Criteria: Invitae Variant Classification Sherloc (09022015). Collection method: clinical testing. Allele origin: germline.

PreventionGenetics, part of Exact Sciences
Classification: Benign for LAMA3-related condition. Last evaluated: 2023-12-14. Review status: no assertion criteria provided. Collection method: clinical testing. Allele origin: germline. Not counted in ClinVar's aggregate classification.
Comment: This variant is classified as benign based on ACMG/AMP sequence variant interpretation guidelines (Richards et al. 2015 PMID: 25741868, with internal and published modifications).

Dr. Peter K. Rogan Lab, Western University
No classification provided (evidence only). Condition: Colon adenocarcinoma. Review status: no classification provided. Collection method: in vitro. Allele origin: not applicable. Functional consequence: retained intron. Not counted in ClinVar's aggregate classification.

Dr. Peter K. Rogan Lab, Western University
No classification provided (evidence only). Condition: Sarcoma. Review status: no classification provided. Collection method: in vitro. Allele origin: not applicable. Functional consequence: retained intron. Not counted in ClinVar's aggregate classification.